The following is an entry in ClinVar:

ClinVar aggregate classification (germline): Uncertain significance (1 of 4 stars; one submission).

Conditions:
Amyotrophic lateral sclerosis type 4 (ALS4). Also called: NEURONOPATHY, DISTAL HEREDITARY MOTOR, WITH PYRAMIDAL FEATURES; AMYOTROPHIC LATERAL SCLEROSIS 4, JUVENILE. Identifiers: Orphanet 357043, MedGen C1865409, MONDO:0011223, OMIM 602433.
Spinocerebellar ataxia, autosomal recessive, with axonal neuropathy 2 (SCAN2). Also called: Ataxia with Oculomotor Apraxia; Ataxia with Oculomotor Apraxia Type 2; ATAXIA-OCULOMOTOR APRAXIA 2; Ataxia-ocular apraxia-2. Identifiers: Orphanet 64753, MedGen C1853761, MONDO:0018996, OMIM 606002.

Submission:

Labcorp Genetics (formerly Invitae), Labcorp
Classification: Uncertain significance for Amyotrophic lateral sclerosis type 4; Spinocerebellar ataxia, autosomal recessive, with axonal neuropathy 2. Last evaluated: 2018-12-18. Review status: criteria provided, single submitter. Criteria: Invitae Variant Classification Sherloc (09022015). Collection method: clinical testing. Allele origin: germline.
Comment: In summary, the available evidence is currently insufficient to determine the role of this variant in disease. Therefore, it has been classified as a Variant of Uncertain Significance. Algorithms developed to predict the effect of missense changes on protein structure and function are either unavailable or do not agree on the potential impact of this missense change (SIFT: "Tolerated"; PolyPhen-2: "Probably Damaging"; Align-GVGD: "Class C0"). This variant has not been reported in the literature in individuals with SETX-related conditions. This variant is not present in population databases (ExAC no frequency). This sequence change replaces aspartic acid with valine at codon 2113 of the SETX protein (p.Asp2113Val). The aspartic acid residue is moderately conserved and there is a large physicochemical difference between aspartic acid and valine.

NM_015046.7(SETX):c.6338A>T (p.Asp2113Val)

Gene: SETX (senataxin; minus strand). Cytogenetic location: 9q34.13.
Variant type: single nucleotide variant.
Coding change: c.6338A>T on transcript NM_015046.7 (MANE Select); coding-DNA position 6338, A replaced by T.
Protein change: p.Asp2113Val; replaces aspartic acid 2113 with valine.
Molecular consequence: missense variant.
Genome position (GRCh38, 1-based): chr9:132,286,481, T>A on the plus strand (A>T on the coding strand, the complement: SETX is on the minus strand). VCF-style: chr9-132286481-T-A. GRCh37 (hg19) VCF-style: chr9-135161868-T-A.
Other names: c.6338A>T, p.Asp2113Val (NM_001351527.2, NM_001351528.2); short protein forms D2113V.
Identifiers: ClinVar variation 654239 (VCV000654239.9), dbSNP rs1589647043, ClinGen allele CA375336769.